The following is an entry in ClinVar:

ClinVar aggregate classification (germline): Likely benign (0 of 4 stars; one submission).

Conditions:
PTK7-related disorder. Also called: PTK7-related condition.

Allele frequency attached by ClinVar (database versions not stated): gnomAD 0.00033; gnomAD exomes 0.00038; TOPMed 0.00041; ExAC 0.00073; 1000 Genomes Project 0.00260; 1000 Genomes Project 30x 0.00265.
gnomAD v4.1: 606 of 1,614,150 alleles (0.038%); highest among the groups gnomAD compares: East Asian, 1.2%; 3 homozygotes.

Submission:

PreventionGenetics, part of Exact Sciences
Classification: Likely benign for PTK7-related condition. Last evaluated: 2019-03-29. Review status: no assertion criteria provided. Collection method: clinical testing. Allele origin: germline.
Comment: This variant is classified as likely benign based on ACMG/AMP sequence variant interpretation guidelines (Richards et al. 2015 PMID: 25741868, with internal and published modifications).

NM_002821.5(PTK7):c.708A>G (p.Val236=)

Gene: PTK7 (protein tyrosine kinase 7 (inactive); plus strand). Cytogenetic location: 6p21.1.
Variant type: single nucleotide variant.
Coding change: c.708A>G on transcript NM_002821.5 (MANE Select); coding-DNA position 708, A replaced by G.
Protein change: p.Val236=; no amino-acid change (valine 236 retained).
Molecular consequence: synonymous variant. On other transcripts: non-coding transcript variant (2).
Genome position (GRCh38, 1-based): chr6:43,130,557, A>G. VCF-style: chr6-43130557-A-G. GRCh37 (hg19) VCF-style: chr6-43098295-A-G.
Other names: c.732A>G, p.Val244= (NM_001270398.2); c.708A>G, p.Val236= (NM_152880.4, NM_152881.4, NM_152882.4).
Identifiers: ClinVar variation 3043145 (VCV003043145.2), dbSNP rs56350986, ClinGen allele CA3815828.